The following is an entry in ClinVar:

ClinVar aggregate classification (germline): Uncertain significance (1 of 4 stars; one submission).

Allele frequency attached by ClinVar (database versions not stated): gnomAD exomes below 0.00001.
gnomAD v4.1: 2 of 1,614,198 alleles (0.00012%); highest among the groups gnomAD compares: Non-Finnish European, 0.00017%; no homozygotes.

Submission:

Labcorp Genetics (formerly Invitae), Labcorp
Classification: Uncertain significance. Last evaluated: 2022-09-22. Review status: criteria provided, single submitter. Criteria: Invitae Variant Classification Sherloc (09022015). Collection method: clinical testing. Allele origin: germline.
Comment: In summary, the available evidence is currently insufficient to determine the role of this variant in disease. Therefore, it has been classified as a Variant of Uncertain Significance. This sequence change replaces proline, which is neutral and non-polar, with alanine, which is neutral and non-polar, at codon 3582 of the TRRAP protein (p.Pro3582Ala). This variant is not present in population databases (gnomAD no frequency). This variant has not been reported in the literature in individuals affected with TRRAP-related conditions. Advanced modeling of protein sequence and biophysical properties (such as structural, functional, and spatial information, amino acid conservation, physicochemical variation, residue mobility, and thermodynamic stability) performed at Invitae indicates that this missense variant is not expected to disrupt TRRAP protein function.

NM_001375524.1(TRRAP):c.10873C>G (p.Pro3625Ala)

Gene: TRRAP (transformation/transcription domain associated protein; plus strand). Cytogenetic location: 7q22.1.
Variant type: single nucleotide variant.
Coding change: c.10873C>G on transcript NM_001375524.1 (MANE Select); coding-DNA position 10873, C replaced by G.
Protein change: p.Pro3625Ala; replaces proline 3625 with alanine.
Molecular consequence: missense variant.
Genome position (GRCh38, 1-based): chr7:99,008,496, C>G. VCF-style: chr7-99008496-C-G. GRCh37 (hg19) VCF-style: chr7-98606119-C-G.
Other names: c.10831C>G, p.Pro3611Ala (NM_001244580.2); c.10744C>G, p.Pro3582Ala (NM_003496.4); short protein forms P3582A, P3611A, P3625A.
Identifiers: ClinVar variation 1967111 (VCV001967111.5), dbSNP rs867087161, ClinGen allele CA368340313.